The following is an entry in ClinVar:

ClinVar aggregate classification (germline): Likely pathogenic (1 of 4 stars; one submission).

gnomAD v4.1: 1 of 1,613,404 alleles (0.000062%); no homozygotes.

Submission:

GeneDx
Classification: Likely pathogenic. Last evaluated: 2026-05-26. Review status: criteria provided, single submitter. Criteria: GeneDx Variant Classification Process June 2021. Collection method: clinical testing. Allele origin: germline.
Comment: Canonical splice site variant predicted to result in an in-frame loss of the adjacent exon in a gene for which loss of function is a known mechanism of disease; Deletions involving coding exons of this gene are a known mechanism of disease (HGMD); Has not been previously published as pathogenic or benign to our knowledge

NM_015570.4(AUTS2):c.2308+1G>C

Gene: AUTS2 (activator of transcription and developmental regulator AUTS2; plus strand). Cytogenetic location: 7q11.22.
Variant type: single nucleotide variant.
Coding change: c.2308+1G>C on transcript NM_015570.4 (MANE Select); the canonical splice donor site of the intron after coding-DNA position 2308, G replaced by C.
Molecular consequence: splice donor variant.
Genome position (GRCh38, 1-based): chr7:70,786,039, G>C. VCF-style: chr7-70786039-G-C. GRCh37 (hg19) VCF-style: chr7-70251025-G-C.
Other names: c.2236+1G>C (NM_001127231.3).
Identifiers: ClinVar variation 3774607 (VCV003774607.2).